The following is an entry in ClinVar:

ClinVar aggregate classification (germline): Conflicting classifications of pathogenicity. Review status: criteria provided, conflicting classifications (1 of 4 stars). 2 submissions from 2 submitters: Uncertain significance (1); Likely benign (1). Last evaluated 2025-06-26.

Conditions:
Xanthinuria type II. Also called: Xanthine dehydrogenase and aldehyde oxidase combined deficiency of; XDH and AOX dual deficiency. Identifiers: Orphanet 3467, Orphanet 93602, MedGen C1863688, MONDO:0011346, OMIM 603592.

Allele frequency attached by ClinVar (database versions not stated): ExAC 0.00002; gnomAD exomes 0.00002.
gnomAD v4.1: 9 of 1,614,122 alleles (0.00056%); highest among the groups gnomAD compares: East Asian, 0.0022%; no homozygotes.

Submissions (2):

Ambry Genetics
Classification: Likely benign. Last evaluated: 2025-06-26. Review status: criteria provided, single submitter. Criteria: Ambry Variant Classification Scheme 2023. Collection method: clinical testing. Allele origin: germline.

Labcorp Genetics (formerly Invitae), Labcorp
Classification: Uncertain significance for Xanthinuria type II. Last evaluated: 2020-04-06. Review status: criteria provided, single submitter. Criteria: Invitae Variant Classification Sherloc (09022015). Collection method: clinical testing. Allele origin: germline.
Comment: This variant has not been reported in the literature in individuals with MOCOS-related conditions. Algorithms developed to predict the effect of missense changes on protein structure and function output the following: SIFT: "Tolerated"; PolyPhen-2: "Benign"; Align-GVGD: "Class C0". The valine amino acid residue is found in multiple mammalian species, suggesting that this missense change does not adversely affect protein function. These predictions have not been confirmed by published functional studies and their clinical significance is uncertain. In summary, the available evidence is currently insufficient to determine the role of this variant in disease. Therefore, it has been classified as a Variant of Uncertain Significance. This sequence change replaces methionine with valine at codon 843 of the MOCOS protein (p.Met843Val). The methionine residue is weakly conserved and there is a small physicochemical difference between methionine and valine. This variant is present in population databases (rs747252798, ExAC 0.004%).

NM_017947.4(MOCOS):c.2527A>G (p.Met843Val)

Gene: MOCOS (molybdenum cofactor sulfurase; plus strand). Cytogenetic location: 18q12.2.
Variant type: single nucleotide variant.
Coding change: c.2527A>G on transcript NM_017947.4 (MANE Select); coding-DNA position 2527, A replaced by G.
Protein change: p.Met843Val; replaces methionine 843 with valine.
Molecular consequence: missense variant.
Genome position (GRCh38, 1-based): chr18:36,268,545, A>G. VCF-style: chr18-36268545-A-G. GRCh37 (hg19) VCF-style: chr18-33848508-A-G.
Other names: c.2527A>G (NM_017947.2); short protein forms M843V.
Identifiers: ClinVar variation 1025649 (VCV001025649.9), dbSNP rs747252798, ClinGen allele CA8941099.